The following is an entry in ClinVar:

NM_032608.7(MYO18B):c.2209C>A (p.Gln737Lys)

Gene: MYO18B (myosin XVIIIB; plus strand). Cytogenetic location: 22q12.1.
Variant type: single nucleotide variant.
Coding change: c.2209C>A on transcript NM_032608.7 (MANE Select); coding-DNA position 2209, C replaced by A.
Protein change: p.Gln737Lys; replaces glutamine 737 with lysine.
Molecular consequence: missense variant.
Genome position (GRCh38, 1-based): chr22:25,780,196, C>A. VCF-style: chr22-25780196-C-A. GRCh37 (hg19) VCF-style: chr22-26176163-C-A.
Other names: c.2209C>A, p.Gln737Lys (NM_001318245.2); short protein forms Q737K.
Identifiers: ClinVar variation 3646226 (VCV003646226.2).

ClinVar aggregate classification (germline): Uncertain significance (1 of 4 stars; one submission).

Submission:

Labcorp Genetics (formerly Invitae), Labcorp
Classification: Uncertain significance. Last evaluated: 2024-03-30. Review status: criteria provided, single submitter. Criteria: Invitae Variant Classification Sherloc (09022015). Collection method: clinical testing. Allele origin: germline.
Comment: This sequence change replaces glutamine, which is neutral and polar, with lysine, which is basic and polar, at codon 737 of the MYO18B protein (p.Gln737Lys). This variant is not present in population databases (gnomAD no frequency). This variant has not been reported in the literature in individuals affected with MYO18B-related conditions. An algorithm developed to predict the effect of missense changes on protein structure and function (PolyPhen-2) suggests that this variant is likely to be disruptive. In summary, the available evidence is currently insufficient to determine the role of this variant in disease. Therefore, it has been classified as a Variant of Uncertain Significance.